The following is an entry in ClinVar:

NM_002661.5(PLCG2):c.3199-3C>T

Gene: PLCG2 (phospholipase C gamma 2; plus strand). Cytogenetic location: 16q23.3.
Variant type: single nucleotide variant.
Coding change: c.3199-3C>T on transcript NM_002661.5 (MANE Select); 3 bases into the intron before coding-DNA position 3199, C replaced by T.
Molecular consequence: intron variant.
Genome position (GRCh38, 1-based): chr16:81,938,798, C>T. VCF-style: chr16-81938798-C-T. GRCh37 (hg19) VCF-style: chr16-81972403-C-T.
Identifiers: ClinVar variation 2799584 (VCV002799584.3), dbSNP rs767476094, ClinGen allele CA8194636.

ClinVar aggregate classification (germline): Uncertain significance (1 of 4 stars; one submission).

Conditions:
Familial cold autoinflammatory syndrome 3 (FCAS3). Also called: FAMILIAL ATYPICAL COLD URTICARIA; ANTIBODY DEFICIENCY AND IMMUNE DYSREGULATION, PLCG2-ASSOCIATED. Identifiers: Orphanet 300359, MedGen C3280914, MONDO:0013766, OMIM 614468.

Allele frequency attached by ClinVar (database versions not stated): ExAC 0.00002.
gnomAD v4.1: 1 of 1,595,300 alleles (0.000063%); highest among the groups gnomAD compares: African/African-American, 0.0013%; no homozygotes.

Submission:

Labcorp Genetics (formerly Invitae), Labcorp
Classification: Uncertain significance for Familial cold autoinflammatory syndrome 3. Last evaluated: 2023-04-12. Review status: criteria provided, single submitter. Criteria: Invitae Variant Classification Sherloc (09022015). Collection method: clinical testing. Allele origin: germline.
Comment: This variant is present in population databases (rs767476094, gnomAD 0.01%). This variant has not been reported in the literature in individuals affected with PLCG2-related conditions. Variants that disrupt the consensus splice site are a relatively common cause of aberrant splicing (PMID: 17576681, 9536098). Algorithms developed to predict the effect of sequence changes on RNA splicing suggest that this variant is not likely to affect RNA splicing. In summary, the available evidence is currently insufficient to determine the role of this variant in disease. Therefore, it has been classified as a Variant of Uncertain Significance. This sequence change falls in intron 28 of the PLCG2 gene. It does not directly change the encoded amino acid sequence of the PLCG2 protein. It affects a nucleotide within the consensus splice site.

Literature cited by the submitters: PubMed 17576681; PubMed 9536098.